The following is an entry in ClinVar:

ClinVar aggregate classification (germline): Benign/Likely benign. Review status: criteria provided, multiple submitters, no conflicts (2 of 4 stars). 2 submissions from 2 submitters: Benign (1); Likely benign (1). Last evaluated 2025-10-10.

Conditions:
KRT14-related disorder. Also called: KRT14-related condition.

Allele frequency attached by ClinVar (database versions not stated): gnomAD exomes 0.00007; gnomAD 0.00010; TOPMed 0.00010; ExAC 0.00043; 1000 Genomes Project 30x 0.00047.

Submissions (2):

PreventionGenetics, part of Exact Sciences
Classification: Likely benign for KRT14-related condition. Last evaluated: 2025-10-10. Review status: criteria provided, single submitter. Criteria: ACMG Guidelines, 2015. Collection method: clinical testing. Allele origin: germline.
Comment: This variant is classified as likely benign based on ACMG/AMP sequence variant interpretation guidelines (Richards et al. 2015 PMID: 25741868, with internal and published modifications).

Labcorp Genetics (formerly Invitae), Labcorp
Classification: Benign. Last evaluated: 2023-08-30. Review status: criteria provided, single submitter. Criteria: Invitae Variant Classification Sherloc (09022015). Collection method: clinical testing. Allele origin: germline.

NM_000526.5(KRT14):c.66C>T (p.Gly22=)

Gene: KRT14 (keratin 14; minus strand). Cytogenetic location: 17q21.2.
Variant type: single nucleotide variant.
Coding change: c.66C>T on transcript NM_000526.5 (MANE Select); coding-DNA position 66, C replaced by T.
Protein change: p.Gly22=; no amino-acid change (glycine 22 retained).
Molecular consequence: synonymous variant.
Genome position (GRCh38, 1-based): chr17:41,586,769, G>A on the plus strand (C>T on the coding strand, the complement: KRT14 is on the minus strand). VCF-style: chr17-41586769-G-A. GRCh37 (hg19) VCF-style: chr17-39743021-G-A.
Other names: c.66C>T (NM_000526.4).
Identifiers: ClinVar variation 2723207 (VCV002723207.4), dbSNP rs770495829, ClinGen allele CA8562832.